The following is an entry in ClinVar:

NM_017671.5(FERMT1):c.1464C>T (p.Asn488=)

Gene: FERMT1 (FERM domain containing kindlin 1; minus strand). Cytogenetic location: 20p12.3.
Variant type: single nucleotide variant.
Coding change: c.1464C>T on transcript NM_017671.5 (MANE Select); coding-DNA position 1464, C replaced by T.
Protein change: p.Asn488=; no amino-acid change (asparagine 488 retained).
Molecular consequence: synonymous variant.
Genome position (GRCh38, 1-based): chr20:6,085,195, G>A on the plus strand (C>T on the coding strand, the complement: FERMT1 is on the minus strand). VCF-style: chr20-6085195-G-A. GRCh37 (hg19) VCF-style: chr20-6065842-G-A.
Identifiers: ClinVar variation 5039897 (VCV005039897.1).
Genomic context (GRCh38, chr20:6,085,195, plus strand): 5'-GAGACTGGAAGCCACCTGAGATGCAGAGTTCCTGTTTTTCATCCTCAGAAATGAAAGGAT[G>A]TTGAGGACCTCTGGCTGGTAGGAGCTGTCTGCCATGGTTTTGCCCTTCGATGCCAACATG-3'
Protein context (NP_060141.3, residues 478-498): ADSSYQPEVL[Asn488=]ILSFLRMKNR

ClinVar aggregate classification (germline): Likely benign (1 of 4 stars; one submission).

gnomAD v4.1: 5 of 1,614,086 alleles (0.00031%); highest among the groups gnomAD compares: Admixed American, 0.0017%; no homozygotes.

Submission:

CeGaT Center for Human Genetics Tuebingen
Classification: Likely benign. Last evaluated: 2026-08-01. Review status: criteria provided, single submitter. Criteria: CeGaT Center For Human Genetics Tuebingen Variant Classification Criteria Version 2. Collection method: clinical testing. Allele origin: germline. Affected: yes. Observed: 1 variant allele.
Comment: FERMT1: BP4, BP7